The following is an entry in ClinVar:

ClinVar aggregate classification (germline): Likely pathogenic (1 of 4 stars; one submission).

Submission:

Labcorp Genetics (formerly Invitae), Labcorp
Classification: Likely pathogenic. Last evaluated: 2023-12-06. Review status: criteria provided, single submitter. Criteria: Invitae Variant Classification Sherloc (09022015). Collection method: clinical testing. Allele origin: germline.
Comment: This sequence change affects a donor splice site in intron 4 of the DDX41 gene. It is expected to disrupt RNA splicing. Variants that disrupt the donor or acceptor splice site typically lead to a loss of protein function (PMID: 16199547), and loss-of-function variants in DDX41 are known to be pathogenic (PMID: 26712909, 27133828). This variant is not present in population databases (gnomAD no frequency). This variant has not been reported in the literature in individuals affected with DDX41-related conditions. Algorithms developed to predict the effect of sequence changes on RNA splicing suggest that this variant may disrupt the consensus splice site. In summary, the currently available evidence indicates that the variant is pathogenic, but additional data are needed to prove that conclusively. Therefore, this variant has been classified as Likely Pathogenic.

Literature cited by the submitters: PubMed 16199547; PubMed 26712909; PubMed 27133828.

NM_016222.4(DDX41):c.373+1G>A

Gene: DDX41 (DEAD-box helicase 41; minus strand). Cytogenetic location: 5q35.3.
Variant type: single nucleotide variant.
Coding change: c.373+1G>A on transcript NM_016222.4 (MANE Select); the canonical splice donor site of the intron after coding-DNA position 373, G replaced by A.
Molecular consequence: splice donor variant.
Genome position (GRCh38, 1-based): chr5:177,516,118, C>T on the plus strand (G>A on the coding strand, the complement: DDX41 is on the minus strand). VCF-style: chr5-177516118-C-T. GRCh37 (hg19) VCF-style: chr5-176943119-C-T.
Other names: c.-6+1G>A (NM_001321830.2, NM_001321732.2).
Identifiers: ClinVar variation 2771074 (VCV002771074.3), dbSNP rs2532088991, ClinGen allele CA362376647.